The following is an entry in ClinVar:

NM_021620.4(PRDM13):c.1422G>A (p.Pro474=)

Gene: PRDM13 (PR/SET domain 13; plus strand). Cytogenetic location: 6q16.2.
Variant type: single nucleotide variant.
Coding change: c.1422G>A on transcript NM_021620.4 (MANE Select); coding-DNA position 1422, G replaced by A.
Protein change: p.Pro474=; no amino-acid change (proline 474 retained).
Molecular consequence: synonymous variant.
Genome position (GRCh38, 1-based): chr6:99,614,057, G>A. VCF-style: chr6-99614057-G-A. GRCh37 (hg19) VCF-style: chr6-100061933-G-A.
Other names: c.1422G>A (NM_021620.3).
Identifiers: ClinVar variation 1478523 (VCV001478523.9), dbSNP rs377013141, ClinGen allele CA3936382.
Genomic context (GRCh38, chr6:99,614,057, plus strand): 5'-CCTGCCCGCCGTCATGCCGGCCTTTACAGTCTACAACGGGGAGCTGCTCTACGGCTCACC[G>A]GCCACCACCGCTTATTACCCGCTCAAATTGCACTTCGGCGGGCTGCTGAAGTATCCGGAG-3'
Protein context (NP_067633.2, residues 464-484): VYNGELLYGS[Pro474=]ATTAYYPLKL

ClinVar aggregate classification (germline): Conflicting classifications of pathogenicity. Review status: criteria provided, conflicting classifications (1 of 4 stars). 4 submissions from 4 submitters: Uncertain significance (1); Likely benign (3). Last evaluated 2026-08-26.

Conditions:
PRDM13-related disorder. Also called: PRDM13-related condition.

Allele frequency attached by ClinVar (database versions not stated): gnomAD exomes 0.00002 and below 0.00001; ExAC 0.00003; gnomAD 0.00004; TOPMed 0.00008; ESP Exome Variant Server 0.00017.
gnomAD v4.1: 12 of 1,607,042 alleles (0.00075%); highest among the groups gnomAD compares: African/African-American, 0.015%; no homozygotes.

Submissions (4):

PreventionGenetics, part of Exact Sciences
Classification: Likely benign for PRDM13-related condition. Last evaluated: 2026-08-26. Review status: criteria provided, single submitter. Criteria: ACMG Guidelines, 2015. Collection method: clinical testing. Allele origin: germline.
Comment: This variant is classified as likely benign based on ACMG/AMP sequence variant interpretation guidelines (Richards et al. 2015 PMID: 25741868, with internal and published modifications).

Labcorp Genetics (formerly Invitae), Labcorp
Classification: Likely benign. Last evaluated: 2025-04-11. Review status: criteria provided, single submitter. Criteria: Invitae Variant Classification Sherloc (09022015). Collection method: clinical testing. Allele origin: germline.

Blueprint Genetics
Classification: Likely benign. Last evaluated: 2021-12-28. Review status: criteria provided, single submitter. Criteria: ACMG Guidelines, 2015. Collection method: clinical testing. Allele origin: germline.

Breakthrough Genomics
Classification: Uncertain significance. Review status: criteria provided, single submitter. Criteria: ACMG Guidelines, 2015. Collection method: not provided. Allele origin: germline. Inheritance: Autosomal recessive inheritance. Affected: yes.